The following is an entry in ClinVar:

NM_005732.4(RAD50):c.2069C>G (p.Thr690Arg)

Gene: RAD50 (RAD50 double strand break repair protein; plus strand). Cytogenetic location: 5q31.1.
Variant type: single nucleotide variant.
Coding change: c.2069C>G on transcript NM_005732.4 (MANE Select); coding-DNA position 2069, C replaced by G.
Protein change: p.Thr690Arg; replaces threonine 690 with arginine.
Molecular consequence: missense variant.
Genome position (GRCh38, 1-based): chr5:132,595,672, C>G. VCF-style: chr5-132595672-C-G. GRCh37 (hg19) VCF-style: chr5-131931364-C-G.
Other names: short protein forms T690R.
Identifiers: ClinVar variation 1785331 (VCV001785331.3), dbSNP rs2479651973, ClinGen allele CA360949801.

ClinVar aggregate classification (germline): Uncertain significance (1 of 4 stars; one submission).

Conditions:
Hereditary cancer-predisposing syndrome. Also called: Neoplastic Syndromes, Hereditary; Tumor predisposition; Hereditary Cancer Syndrome; Hereditary neoplastic syndrome. Identifiers: Orphanet 140162, MedGen C0027672, MeSH D009386, MONDO:0015356.

Submission:

Ambry Genetics
Classification: Uncertain significance for Hereditary cancer-predisposing syndrome. Last evaluated: 2025-04-18. Review status: criteria provided, single submitter. Criteria: Ambry Variant Classification Scheme 2023. Collection method: clinical testing. Allele origin: germline.
Comment: The p.T690R variant (also known as c.2069C>G), located in coding exon 13 of the RAD50 gene, results from a C to G substitution at nucleotide position 2069. The threonine at codon 690 is replaced by arginine, an amino acid with similar properties. This amino acid position is not well conserved in available vertebrate species. In addition, this alteration is predicted to be tolerated by in silico analysis. Since supporting evidence is limited at this time, the clinical significance of this alteration remains unclear.